The following is an entry in ClinVar:

NM_016616.5(NME8):c.271-11T>A

Gene: NME8 (NME/NM23 family member 8; plus strand). Cytogenetic location: 7p14.1.
Variant type: single nucleotide variant.
Coding change: c.271-11T>A on transcript NM_016616.5 (MANE Select); 11 bases into the intron before coding-DNA position 271, T replaced by A.
Molecular consequence: intron variant.
Genome position (GRCh38, 1-based): chr7:37,862,017, T>A. VCF-style: chr7-37862017-T-A. GRCh37 (hg19) VCF-style: chr7-37901619-T-A.
Identifiers: ClinVar variation 379360 (VCV000379360.5), dbSNP rs760643364, ClinGen allele CA4222135.
Genomic context (GRCh38, chr7:37,862,017, plus strand): 5'-CCAGTTTAAGTGTTAGTTCTTGGTGTGTTCTCCAAATGAAAGTTCCCCTCCTGTTTTCAT[T>A]TCCCTTATAGAATGGCAAAATTATCGAAAAGATTCAGGGTGCAAATGCACCGCTTGTTAA-3'

ClinVar aggregate classification (germline): Conflicting classifications of pathogenicity. Review status: criteria provided, conflicting classifications (1 of 4 stars). 2 submissions from 2 submitters: Uncertain significance (1); Likely benign (1). Last evaluated 2025-04-19.

Conditions:
Primary ciliary dyskinesia 6. Also called: Primary Ciliary Dyskinesia 6: TXNDC3-Related Primary Ciliary Dyskinesia. Identifiers: Orphanet 244, MedGen C1970506, MONDO:0012571, OMIM 610852.

Allele frequency attached by ClinVar (database versions not stated): gnomAD 0.00003; gnomAD exomes 0.00003 and 0.00008; ExAC 0.00004; TOPMed 0.00007.
gnomAD v4.1: 122 of 1,577,504 alleles (0.0077%); highest among the groups gnomAD compares: Middle Eastern, 0.017%; no homozygotes.

Submissions (2):

Labcorp Genetics (formerly Invitae), Labcorp
Classification: Uncertain significance for Primary ciliary dyskinesia 6. Last evaluated: 2025-04-19. Review status: criteria provided, single submitter. Criteria: Invitae Variant Classification Sherloc (09022015). Collection method: clinical testing. Allele origin: germline.
Comment: This sequence change falls in intron 6 of the NME8 gene. It does not directly change the encoded amino acid sequence of the NME8 protein. This variant is present in population databases (rs760643364, gnomAD 0.009%). This variant has not been reported in the literature in individuals affected with NME8-related conditions. ClinVar contains an entry for this variant (Variation ID: 379360). Algorithms developed to predict the effect of sequence changes on RNA splicing suggest that this variant may disrupt the consensus splice site. In summary, the available evidence is currently insufficient to determine the role of this variant in disease. Therefore, it has been classified as a Variant of Uncertain Significance.

GeneDx
Classification: Likely benign. Last evaluated: 2015-04-27. Review status: criteria provided, single submitter. Criteria: GeneDx Variant Classification (06012015). Collection method: clinical testing. Allele origin: germline. Affected: yes.
Comment: This variant is considered likely benign or benign based on one or more of the following criteria: it is a conservative change, it occurs at a poorly conserved position in the protein, it is predicted to be benign by multiple in silico algorithms, and/or has population frequency not consistent with disease.